The following is an entry in ClinVar:

NM_032383.5(HPS3):c.1686C>A (p.Tyr562Ter)

Gene: HPS3 (HPS3 biogenesis of lysosomal organelles complex 2 subunit 1; plus strand). Cytogenetic location: 3q24.
Variant type: single nucleotide variant.
Coding change: c.1686C>A on transcript NM_032383.5 (MANE Select); coding-DNA position 1686, C replaced by A.
Protein change: p.Tyr562Ter; replaces tyrosine 562 with a stop codon.
Molecular consequence: nonsense.
Genome position (GRCh38, 1-based): chr3:149,157,526, C>A. VCF-style: chr3-149157526-C-A. GRCh37 (hg19) VCF-style: chr3-148875313-C-A.
Other names: c.1686C>A (NM_032383.4); c.1191C>A, p.Tyr397Ter (NM_001308258.2); short protein forms Y397*, Y562*.
Identifiers: ClinVar variation 1070715 (VCV001070715.11), dbSNP rs1292407171, ClinGen allele CA354922220.
Genomic context (GRCh38, chr3:149,157,526, plus strand): 5'-AGAGAAGGCAGAGCTTTTGGAAGCATTTAAGGAAAGCTGTGGGCACCTTGGGGACTGTTA[C>A]AGCAGGTGGGTGACACCTCTTGGAACCTTGTTACAGAAGTCATCTTGAACTTTGGGTACA-3'

ClinVar aggregate classification (germline): Pathogenic/Likely pathogenic. Review status: criteria provided, multiple submitters, no conflicts (2 of 4 stars). 4 submissions from 4 submitters: Pathogenic (1); Likely pathogenic (3). Last evaluated 2025-11-10.

Conditions:
Hermansky-Pudlak syndrome 3 (HPS3). Identifiers: Orphanet 231512, Orphanet 79430, MedGen C3888001, MONDO:0013555, OMIM 614072.
Hermansky-Pudlak syndrome (HPS). Also called: ALBINISM WITH HEMORRHAGIC DIATHESIS AND PIGMENTED RETICULOENDOTHELIAL CELLS. Identifiers: Orphanet 79430, MedGen C0079504, MONDO:0019312.

gnomAD v4.1: 3 of 1,613,612 alleles (0.00019%); highest among the groups gnomAD compares: African/African-American, 0.004%; no homozygotes.

Submissions (4):

Natera, Inc.
Classification: Likely pathogenic for Hermansky-Pudlak syndrome. Last evaluated: 2025-11-10. Review status: criteria provided, single submitter. Criteria: Natera Variant Classification Schema (03/2026). Collection method: clinical testing. Allele origin: germline.
Comment: The c.1686C>A variant in HPS3 is a nonsense variant predicted to introduce a stop codon at amino acid 562. This variant is expected to result in nonsense mediated decay, truncation, or a dysfunctional protein product. This variant is rare in the general population with a frequency below the threshold expected for the associated phenotype(s). Given the available evidence, this variant is classified as Likely Pathogenic.

Fulgent Genetics
Classification: Likely pathogenic for Hermansky-Pudlak syndrome 3. Last evaluated: 2024-05-22. Review status: criteria provided, single submitter. Criteria: ACMG Guidelines, 2015. Collection method: clinical testing. Allele origin: germline.

Baylor Genetics
Classification: Likely pathogenic for Hermansky-Pudlak syndrome 3. Last evaluated: 2024-02-24. Review status: criteria provided, single submitter. Criteria: ACMG Guidelines, 2015. Collection method: clinical testing. Allele origin: unknown.

Labcorp Genetics (formerly Invitae), Labcorp
Classification: Pathogenic. Last evaluated: 2023-04-23. Review status: criteria provided, single submitter. Criteria: Invitae Variant Classification Sherloc (09022015). Collection method: clinical testing. Allele origin: germline.
Comment: For these reasons, this variant has been classified as Pathogenic. ClinVar contains an entry for this variant (Variation ID: 1070715). This variant has not been reported in the literature in individuals affected with HPS3-related conditions. This variant is not present in population databases (gnomAD no frequency). This sequence change creates a premature translational stop signal (p.Tyr562*) in the HPS3 gene. It is expected to result in an absent or disrupted protein product. Loss-of-function variants in HPS3 are known to be pathogenic (PMID: 11590544).

Literature cited by the submitters: PubMed 11590544 (cited by Labcorp Genetics (formerly Invitae), Labcorp).